The following is an entry in ClinVar:

NM_001267550.2(TTN):c.74144C>T (p.Pro24715Leu)

Genes: TTN (titin; minus strand), TTN-AS1 (TTN antisense RNA 1; plus strand). Cytogenetic location: 2q31.2.
Variant type: single nucleotide variant.
Coding change: c.74144C>T on transcript NM_001267550.2 (MANE Select); coding-DNA position 74144, C replaced by T.
Protein change: p.Pro24715Leu; replaces proline 24715 with leucine.
Molecular consequence: missense variant.
Genome position (GRCh38, 1-based): chr2:178,571,988, G>A on the plus strand (C>T on the coding strand, the complement: TTN is on the minus strand). VCF-style: chr2-178571988-G-A. GRCh37 (hg19) VCF-style: chr2-179436715-G-A.
Other names: p.P23074L:CCA>CTA; c.69221C>T, p.Pro23074Leu (NM_001256850.1); c.46949C>T, p.Pro15650Leu (NM_003319.4); c.66440C>T, p.Pro22147Leu (NM_133378.4); c.47324C>T, p.Pro15775Leu (NM_133432.3); c.47525C>T, p.Pro15842Leu (NM_133437.4); short protein forms P23074L, P24715L, P22147L, P15650L, P15842L, P15775L.
Identifiers: ClinVar variation 202853 (VCV000202853.16), dbSNP rs55713856, ClinGen allele CA310487.
Genomic context (GRCh38, chr2:178,571,988, plus strand): 5'-ACTTTTAGGTCTTCACCTGCCAGTACAGTGAAAGTATTGAACAGGAGTTTGAAGGCTGGT[G>A]GAATGACAAGATCTTTGGCGATCACTGGCACACTCAGTTGTCTAGGATCACTGATGCCCT-3'
Protein context (NP_001254479.2, residues 24705-24725): VPVIAKDLVI[Pro24715Leu]PAFKLLFNTF

ClinVar aggregate classification (germline): Conflicting classifications of pathogenicity. Review status: criteria provided, conflicting classifications (1 of 4 stars). 11 submissions from 7 submitters: Uncertain significance (7); Benign (3); Likely benign (1). Last evaluated 2025-09-08.

Conditions:
Cardiovascular phenotype. Identifiers: MedGen CN230736.
Dilated cardiomyopathy 1G (CMD1G). Identifiers: Orphanet 154, MedGen C1858763, MONDO:0011400, OMIM 604145.
Autosomal recessive limb-girdle muscular dystrophy type 2J (LGMDR10). Also called: MUSCULAR DYSTROPHY, LIMB-GIRDLE, AUTOSOMAL RECESSIVE 10; Limb-girdle muscular dystrophy, type 2J. Identifiers: Orphanet 140922, MedGen C1837342, MONDO:0012127, OMIM 608807.
Early-onset myopathy with fatal cardiomyopathy (CMYO5). Also called: CONGENITAL MYOPATHY 5 WITH CARDIOMYOPATHY; Salih Myopathy. Identifiers: Orphanet 289377, MedGen C2673677, MONDO:0012714, OMIM 611705. Disease mechanism: loss of function.
Myopathy, myofibrillar, 9, with early respiratory failure (MFM9). Also called: EDSTROM MYOPATHY; MYOPATHY, PROXIMAL, WITH EARLY RESPIRATORY MUSCLE INVOLVEMENT; Myopathy, distal, with early respiratory failure, autosomal dominant; Hereditary myopathy with early respiratory failure. Identifiers: Orphanet 178464, Orphanet 34521, MedGen C1863599, MONDO:0011362, OMIM 603689.
Tibial muscular dystrophy (TMD). Also called: UDD MYOPATHY; Tibial muscular dystrophy, tardive; Udd Distal Myopathy – Tibial Muscular Dystrophy. Identifiers: Orphanet 609, MedGen C1838244, MONDO:0010870, OMIM 600334.

Allele frequency attached by ClinVar (database versions not stated): gnomAD 0.00001 and 0.00003; gnomAD exomes 0.00002 and 0.00008; TOPMed 0.00004; ExAC 0.00007; 1000 Genomes Project 30x 0.00094; 1000 Genomes Project 0.00100.
gnomAD v4.1: 29 of 1,613,180 alleles (0.0018%); highest among the groups gnomAD compares: East Asian, 0.054%; no homozygotes.

Submissions (11):

Women's Health and Genetics/Laboratory Corporation of America, LabCorp
Classification: Likely benign. Last evaluated: 2025-09-08. Review status: criteria provided, single submitter. Criteria: LabCorp Variant Classification Summary - May 2015. Collection method: clinical testing. Allele origin: germline.
Comment: Variant summary: TTN c.66440C>T (p.Pro22147Leu) results in a non-conservative amino acid change in the encoded protein sequence. Algorithms developed to predict the effect of missense changes on protein structure and function are either unavailable or do not agree on the potential impact of this missense change. The variant allele was found at a frequency of 8.1e-05 in 247724 control chromosomes, predominantly at a frequency of 0.001 within the East Asian subpopulation in the gnomAD database. The observed variant frequency within East Asian control individuals in the gnomAD database exceeds the estimated maximal expected allele frequency for disease-causing variants in TTN. To our knowledge, no occurrence of c.66440C>T in individuals affected with TTN-related conditions and no experimental evidence demonstrating its impact on protein function have been reported. ClinVar contains an entry for this variant (Variation ID: 202853). Based on the evidence outlined above, the variant was classified as likely benign.

Revvity Omics, Revvity
Classification: Uncertain significance. Last evaluated: 2023-10-18. Review status: criteria provided, single submitter. Criteria: ACMG Guidelines, 2015. Collection method: clinical testing. Allele origin: germline.

Ambry Genetics
Classification: Benign for Cardiovascular phenotype. Last evaluated: 2020-05-08. Review status: criteria provided, single submitter. Criteria: Ambry Variant Classification Scheme 2023. Collection method: clinical testing. Allele origin: germline.

Eurofins Ntd Llc (ga)
Classification: Uncertain significance. Last evaluated: 2018-07-19. Review status: criteria provided, single submitter. Criteria: EGL ClinVar v180209 classification definitions. Collection method: clinical testing. Allele origin: germline. Observed: 1 variant allele, 1 heterozygote.

Illumina Laboratory Services, Illumina
Classification: Benign for Myopathy, myofibrillar, 9, with early respiratory failure. Last evaluated: 2018-01-12. Review status: criteria provided, single submitter. Criteria: ICSL Variant Classification Criteria 13 December 2019. Collection method: clinical testing. Allele origin: germline.
Comment: This variant was observed in the ICSL laboratory as part of a predisposition screen in an ostensibly healthy population. It had not been previously curated by ICSL or reported in the Human Gene Mutation Database (HGMD: prior to June 1st, 2018), and was therefore a candidate for classification through an automated scoring system. Utilizing variant allele frequency, disease prevalence and penetrance estimates, and inheritance mode, an automated score was calculated to assess if this variant is too frequent to cause the disease. Based on the score and internal cut-off values, a variant classified as benign is not then subjected to further curation. The score for this variant resulted in a classification of benign for this disease.

Illumina Laboratory Services, Illumina
Classification: Uncertain significance for Dilated cardiomyopathy 1G. Last evaluated: 2018-01-12. Review status: criteria provided, single submitter. Criteria: ICSL Variant Classification Criteria 13 December 2019. Collection method: clinical testing. Allele origin: germline.

Illumina Laboratory Services, Illumina
Classification: Uncertain significance for Autosomal recessive limb-girdle muscular dystrophy type 2J. Last evaluated: 2018-01-12. Review status: criteria provided, single submitter. Criteria: ICSL Variant Classification Criteria 13 December 2019. Collection method: clinical testing. Allele origin: germline.

Illumina Laboratory Services, Illumina
Classification: Uncertain significance for Early-onset myopathy with fatal cardiomyopathy. Last evaluated: 2018-01-12. Review status: criteria provided, single submitter. Criteria: ICSL Variant Classification Criteria 13 December 2019. Collection method: clinical testing. Allele origin: germline.

Illumina Laboratory Services, Illumina
Classification: Benign for Tibial muscular dystrophy. Last evaluated: 2018-01-12. Review status: criteria provided, single submitter. Criteria: ICSL Variant Classification Criteria 13 December 2019. Collection method: clinical testing. Allele origin: germline.
Comment: the same text as in the submission from Illumina Laboratory Services, Illumina above.

Labcorp Genetics (formerly Invitae), Labcorp
Classification: Uncertain significance for Dilated cardiomyopathy 1G; Autosomal recessive limb-girdle muscular dystrophy type 2J. Last evaluated: 2016-04-29. Review status: criteria provided, single submitter. Criteria: Invitae Variant Classification Sherloc (09022015). Collection method: clinical testing. Allele origin: germline.

GeneDx
Classification: Uncertain significance. Last evaluated: 2013-10-08. Review status: criteria provided, single submitter. Criteria: GeneDx Variant Classification (06012015). Collection method: clinical testing. Allele origin: germline. Affected: yes.
Comment: Missense variants in the TTN gene are considered 'unclassified' if they are not previously reported in the literature and do not have >1% frequency in the population to be considered a polymorphism. Research indicates that truncating mutations in the TTN gene are expected to account for approximately 25% of familial and 18% of sporadic idiopathic DCM; however, truncating variants in the TTN gene have been reported in approximately 3% of reported control alleles. There has been little investigation into non-truncating variants. (Herman D et al. Truncations of titin causing dilated cardiomyopathy. N Eng J Med 366:619-628, 2012) The variant is found in DCM panel(s).